The following is an entry in ClinVar:

NM_000350.3(ABCA4):c.82del (p.Glu28fs)

Gene: ABCA4 (ATP binding cassette subfamily A member 4; minus strand). Cytogenetic location: 1p22.1.
Variant type: Deletion.
Coding change: c.82del on transcript NM_000350.3 (MANE Select); coding-DNA position 82, one base deleted (G; older notation c.82delG).
Protein change: p.Glu28fs; shifts the reading frame from glutamic acid 28.
Molecular consequence: frameshift variant.
Genome position (GRCh38, 1-based): chr1:94,113,051, C deleted on the plus strand (G on the coding strand, the reverse complement: ABCA4 is on the minus strand); the first of 2 consecutive C bases (chr1:94,113,051-94,113,052); deleting either gives the same sequence. VCF-style (leftmost placement, unchanged base first): chr1-94113050-TC-T. GRCh37 (hg19) VCF-style: chr1-94578606-TC-T.
Other names: c.81delG, p.Glu28Asnfs (NM_001425324.1); short protein forms E28fs.
Identifiers: ClinVar variation 1072345 (VCV001072345.7), dbSNP rs2101167069, ClinGen allele CA2499214904.

ClinVar aggregate classification (germline): Pathogenic (1 of 4 stars; one submission).

Submission:

Labcorp Genetics (formerly Invitae), Labcorp
Classification: Pathogenic. Last evaluated: 2024-10-23. Review status: criteria provided, single submitter. Criteria: Invitae Variant Classification Sherloc (09022015). Collection method: clinical testing. Allele origin: germline.
Comment: This sequence change creates a premature translational stop signal (p.Glu28Asnfs*12) in the ABCA4 gene. It is expected to result in an absent or disrupted protein product. Loss-of-function variants in ABCA4 are known to be pathogenic (PMID: 10958761, 24938718, 25312043, 26780318). This variant is not present in population databases (gnomAD no frequency). This variant has not been reported in the literature in individuals affected with ABCA4-related conditions. ClinVar contains an entry for this variant (Variation ID: 1072345). For these reasons, this variant has been classified as Pathogenic.

Literature cited by the submitters: PubMed 10958761; PubMed 24938718; PubMed 25312043; PubMed 26780318.